The following is an entry in ClinVar:

ClinVar aggregate classification (germline): Likely benign. Review status: criteria provided, multiple submitters, no conflicts (2 of 4 stars). 2 submissions from 2 submitters: Likely benign (2). Last evaluated 2026-04-20.

Conditions:
POLG-related disorder. Also called: POLG-Related Spectrum Disorders; POLG-related condition; POLG-Related Disorders. Identifiers: MedGen C4763519.
Progressive sclerosing poliodystrophy (MTDPS4A). Also called: Alpers Syndrome; ALPERS DIFFUSE DEGENERATION OF CEREBRAL GRAY MATTER WITH HEPATIC CIRRHOSIS; ALPERS PROGRESSIVE INFANTILE POLIODYSTROPHY; NEURONAL DEGENERATION OF CHILDHOOD WITH LIVER DISEASE, PROGRESSIVE; Mitochondrial DNA Depletion Syndrome 4A; Alpers-Huttenlocher Syndrome (AHS). Identifiers: Orphanet 726, MedGen C0205710, MONDO:0008758, OMIM 203700.

gnomAD v4.1: 1 of 1,613,638 alleles (0.000062%); highest among the groups gnomAD compares: Admixed American, 0.0017%; no homozygotes.

Submissions (2):

PreventionGenetics, part of Exact Sciences
Classification: Likely benign for POLG-related condition. Last evaluated: 2026-04-20. Review status: criteria provided, single submitter. Criteria: ACMG Guidelines, 2015. Collection method: clinical testing. Allele origin: germline.
Comment: This variant is classified as likely benign based on ACMG/AMP sequence variant interpretation guidelines (Richards et al. 2015 PMID: 25741868, with internal and published modifications).

Labcorp Genetics (formerly Invitae), Labcorp
Classification: Likely benign for Progressive sclerosing poliodystrophy. Last evaluated: 2024-08-20. Review status: criteria provided, single submitter. Criteria: Invitae Variant Classification Sherloc (09022015). Collection method: clinical testing. Allele origin: germline.

NM_002693.3(POLG):c.1797A>C (p.Thr599=)

Gene: POLG (DNA polymerase gamma, catalytic subunit; minus strand). Cytogenetic location: 15q26.1.
Variant type: single nucleotide variant.
Coding change: c.1797A>C on transcript NM_002693.3 (MANE Select); coding-DNA position 1797, A replaced by C.
Protein change: p.Thr599=; no amino-acid change (threonine 599 retained).
Molecular consequence: synonymous variant.
Genome position (GRCh38, 1-based): chr15:89,325,602, T>G on the plus strand (A>C on the coding strand, the complement: POLG is on the minus strand). VCF-style: chr15-89325602-T-G. GRCh37 (hg19) VCF-style: chr15-89868833-T-G.
Other names: c.1797A>C, p.Thr599= (NM_001126131.2).
Identifiers: ClinVar variation 1983849 (VCV001983849.5), dbSNP rs775651351, ClinGen allele CA274554492.